The following is an entry in ClinVar:

ClinVar aggregate classification (germline): Uncertain significance (1 of 4 stars; one submission).

Conditions:
Hereditary cancer-predisposing syndrome. Also called: Tumor predisposition; Hereditary neoplastic syndrome; Hereditary Cancer Syndrome; Neoplastic Syndromes, Hereditary. Identifiers: Orphanet 140162, MedGen C0027672, MeSH D009386, MONDO:0015356.

Submission:

Ambry Genetics
Classification: Uncertain significance for Hereditary cancer-predisposing syndrome. Last evaluated: 2024-02-26. Review status: criteria provided, single submitter. Criteria: Ambry Variant Classification Scheme 2023. Collection method: clinical testing. Allele origin: germline.
Comment: The p.P56L variant (also known as c.167C>T), located in coding exon 2 of the SDHB gene, results from a C to T substitution at nucleotide position 167. The proline at codon 56 is replaced by leucine, an amino acid with similar properties. This variant was reported in multiple individuals with features consistent with SDHB-related paraganglioma-pheochromocytoma syndrome (Benn DE et al. J Clin Endocrinol Metab, 2006 Mar;91:827-36; Burnichon N et al. J Clin Endocrinol Metab, 2009 Aug;94:2817-27). This amino acid position is highly conserved in available vertebrate species. In addition, this alteration is predicted to be deleterious by in silico analysis. Based on the available evidence, the clinical significance of this alteration remains unclear.

Literature cited by the submitters: PubMed 16317055; PubMed 19454582.

NM_003000.3(SDHB):c.167C>T (p.Pro56Leu)

Gene: SDHB (succinate dehydrogenase complex iron sulfur subunit B; minus strand). Cytogenetic location: 1p36.13.
Variant type: single nucleotide variant.
Coding change: c.167C>T on transcript NM_003000.3 (MANE Select); coding-DNA position 167, C replaced by T.
Protein change: p.Pro56Leu; replaces proline 56 with leucine.
Molecular consequence: missense variant.
Genome position (GRCh38, 1-based): chr1:17,044,794, G>A on the plus strand (C>T on the coding strand, the complement: SDHB is on the minus strand). VCF-style: chr1-17044794-G-A. GRCh37 (hg19) VCF-style: chr1-17371289-G-A.
Other names: c.167C>T, p.Pro56Leu (NM_001407361.1); short protein forms P56L.
Identifiers: ClinVar variation 3223004 (VCV003223004.1), dbSNP rs2525059575, ClinGen allele CA338227843.